The following is an entry in ClinVar:

ClinVar aggregate classification (germline): Pathogenic (1 of 4 stars; one submission).

Conditions:
Hereditary cancer-predisposing syndrome. Also called: Hereditary neoplastic syndrome; Tumor predisposition; Hereditary Cancer Syndrome; Neoplastic Syndromes, Hereditary. Identifiers: Orphanet 140162, MedGen C0027672, MeSH D009386, MONDO:0015356.

Submission:

Labcorp Genetics (formerly Invitae), Labcorp
Classification: Pathogenic for Hereditary cancer-predisposing syndrome. Last evaluated: 2021-09-10. Review status: criteria provided, single submitter. Criteria: Invitae Variant Classification Sherloc (09022015). Collection method: clinical testing. Allele origin: germline.
Comment: For these reasons, this variant has been classified as Pathogenic. ClinVar contains an entry for this variant (Variation ID: 1070460). This variant has not been reported in the literature in individuals affected with RAD50-related conditions. The frequency data for this variant in the population databases is not available, as this variant may be reported as separate entries in the ExAC database. This sequence change creates a premature translational stop signal (p.Gln465_Gln466delinsHis*) in the RAD50 gene. It is expected to result in an absent or disrupted protein product. Loss-of-function variants in RAD50 are known to be pathogenic (PMID: 19409520).

Literature cited by the submitters: PubMed 19409520.

NM_005732.4(RAD50):c.1395_1396delinsTT (p.Gln465_Gln466delinsHisTer)

Gene: RAD50 (RAD50 double strand break repair protein; plus strand). Cytogenetic location: 5q31.1.
Variant type: Indel.
Coding change: c.1395_1396delinsTT on transcript NM_005732.4 (MANE Select); coding-DNA positions 1395 to 1396, GC replaced by TT.
Protein change: p.Gln465_Gln466delinsHisTer.
Molecular consequence: nonsense.
Genome position (GRCh38, 1-based): chr5:132,589,780-132,589,781, GC replaced by TT. VCF-style: chr5-132589780-GC-TT. GRCh37 (hg19) VCF-style: chr5-131925472-GC-TT.
Identifiers: ClinVar variation 1070460 (VCV001070460.7), dbSNP rs2149841547, ClinGen allele CA2499217575.